The following is an entry in ClinVar:

NM_014251.3(SLC25A13):c.213-4G>C

Gene: SLC25A13 (solute carrier family 25 member 13; minus strand). Cytogenetic location: 7q21.3.
Variant type: single nucleotide variant.
Coding change: c.213-4G>C on transcript NM_014251.3 (MANE Select); 4 bases into the intron before coding-DNA position 213, G replaced by C.
Molecular consequence: intron variant.
Genome position (GRCh38, 1-based): chr7:96,234,921, C>G on the plus strand (G>C on the coding strand, the complement: SLC25A13 is on the minus strand). VCF-style: chr7-96234921-C-G. GRCh37 (hg19) VCF-style: chr7-95864233-C-G.
Other names: c.213-4G>C (NM_014251.2, NM_001160210.2).
Identifiers: ClinVar variation 2139469 (VCV002139469.5), dbSNP rs200509800, ClinGen allele CA4353355.
Genomic context (GRCh38, chr7:96,234,921, plus strand): 5'-GCATCAGGGGCACACAGGACAGATTCAAAGGCAACAAATTCTTGAAAAGATATTAATCTG[C>G]AACATAAAACAAACATAAAGCAAAAGTCAGTAGCTTGTGGAAAACAGAAGCATATACAAA-3'

ClinVar aggregate classification (germline): Likely benign. Review status: criteria provided, multiple submitters, no conflicts (2 of 4 stars). 2 submissions from 2 submitters: Likely benign (2). Last evaluated 2026-05-26.

Conditions:
SLC25A13-related disorder. Also called: SLC25A13-related condition.
Citrin deficiency. Identifiers: Orphanet 247582, MedGen C1997910, MONDO:0016602.

Allele frequency attached by ClinVar (database versions not stated): ExAC 0.00001; gnomAD exomes 0.00002; TOPMed 0.00002; ESP Exome Variant Server 0.00008.
gnomAD v4.1: 25 of 1,605,254 alleles (0.0016%); highest among the groups gnomAD compares: Non-Finnish European, 0.002%; no homozygotes.

Submissions (2):

PreventionGenetics, part of Exact Sciences
Classification: Likely benign for SLC25A13-related condition. Last evaluated: 2026-05-26. Review status: criteria provided, single submitter. Criteria: ACMG Guidelines, 2015. Collection method: clinical testing. Allele origin: germline.
Comment: This variant is classified as likely benign based on ACMG/AMP sequence variant interpretation guidelines (Richards et al. 2015 PMID: 25741868, with internal and published modifications).

Labcorp Genetics (formerly Invitae), Labcorp
Classification: Likely benign for Citrin deficiency. Last evaluated: 2026-01-13. Review status: criteria provided, single submitter. Criteria: Invitae Variant Classification Sherloc (09022015). Collection method: clinical testing. Allele origin: germline.